The following is an entry in ClinVar:

NM_003331.5(TYK2):c.2740T>C (p.Tyr914His)

Gene: TYK2 (tyrosine kinase 2; minus strand). Cytogenetic location: 19p13.2.
Variant type: single nucleotide variant.
Coding change: c.2740T>C on transcript NM_003331.5 (MANE Select); coding-DNA position 2740, T replaced by C.
Protein change: p.Tyr914His; replaces tyrosine 914 with histidine.
Molecular consequence: missense variant.
Genome position (GRCh38, 1-based): chr19:10,354,210, A>G on the plus strand (T>C on the coding strand, the complement: TYK2 is on the minus strand). VCF-style: chr19-10354210-A-G. GRCh37 (hg19) VCF-style: chr19-10464886-A-G.
Other names: c.2740T>C, p.Tyr914His (NM_001385197.1, NM_001385198.1, NM_001406461.1); c.2554T>C, p.Tyr852His (NM_001385199.1); c.2737T>C, p.Tyr913His (NM_001385200.1); c.2542T>C, p.Tyr848His (NM_001385201.1); c.2656T>C, p.Tyr886His (NM_001385202.1); c.2821T>C, p.Tyr941His (NM_001385203.1); c.2950T>C, p.Tyr984His (NM_001385204.1); c.2650T>C, p.Tyr884His (NM_001385205.1); and 2 more; short protein forms Y913H, Y848H, Y872H, Y884H, Y984H, Y852H, Y886H, Y908H.
Identifiers: ClinVar variation 2176923 (VCV002176923.2), dbSNP rs749465990, ClinGen allele CA9192934.

ClinVar aggregate classification (germline): Uncertain significance. Review status: criteria provided, multiple submitters, no conflicts (2 of 4 stars). 2 submissions from 2 submitters: Uncertain significance (2). Last evaluated 2022-11-21.

Conditions:
Inborn genetic diseases. Identifiers: MedGen C0950123, MeSH D030342.
Immunodeficiency 35 (IMD35). Also called: TYK2 DEFICIENCY; HIES WITH ATYPICAL MYCOBACTERIOSIS, AUTOSOMAL RECESSIVE; HYPER-IgE SYNDROME WITH ATYPICAL MYCOBACTERIOSIS, AUTOSOMAL RECESSIVE; Susceptibility to infection due to TYK2 deficiency. Identifiers: Orphanet 331226, MedGen C1969086, MONDO:0012682, OMIM 611521.

Allele frequency attached by ClinVar (database versions not stated): gnomAD 0.00001; gnomAD exomes 0.00001; ExAC 0.00002; TOPMed 0.00005.

Submissions (2):

Ambry Genetics
Classification: Uncertain significance for Inborn genetic diseases. Last evaluated: 2022-11-21. Review status: criteria provided, single submitter. Criteria: Ambry Variant Classification Scheme 2023. Collection method: clinical testing. Allele origin: germline.

Labcorp Genetics (formerly Invitae), Labcorp
Classification: Uncertain significance for Immunodeficiency 35. Last evaluated: 2022-08-20. Review status: criteria provided, single submitter. Criteria: Invitae Variant Classification Sherloc (09022015). Collection method: clinical testing. Allele origin: germline.
Comment: This sequence change replaces tyrosine, which is neutral and polar, with histidine, which is basic and polar, at codon 914 of the TYK2 protein (p.Tyr914His). This variant is present in population databases (rs749465990, gnomAD 0.009%). This variant has not been reported in the literature in individuals affected with TYK2-related conditions. Algorithms developed to predict the effect of missense changes on protein structure and function are either unavailable or do not agree on the potential impact of this missense change (SIFT: "Not Available"; PolyPhen-2: "Probably Damaging"; Align-GVGD: "Not Available"). In summary, the available evidence is currently insufficient to determine the role of this variant in disease. Therefore, it has been classified as a Variant of Uncertain Significance.